The following is an entry in ClinVar:

NM_000452.3(SLC10A2):c.585+4A>G

Gene: SLC10A2 (solute carrier family 10 member 2; minus strand). Cytogenetic location: 13q33.1.
Variant type: single nucleotide variant.
Coding change: c.585+4A>G on transcript NM_000452.3 (MANE Select); 4 bases into the intron after coding-DNA position 585, A replaced by G.
Molecular consequence: intron variant.
Genome position (GRCh38, 1-based): chr13:103,052,616, T>C on the plus strand (A>G on the coding strand, the complement: SLC10A2 is on the minus strand). VCF-style: chr13-103052616-T-C. GRCh37 (hg19) VCF-style: chr13-103704966-T-C.
Other names: c.585+4A>G (NM_000452.2).
Identifiers: ClinVar variation 1974107 (VCV001974107.7), dbSNP rs1220309971, ClinGen allele CA2115298654.

ClinVar aggregate classification (germline): Uncertain significance. Review status: criteria provided, single submitter (1 of 4 stars). 2 submissions from 2 submitters: Uncertain significance (1). 1 of the submissions does not count toward it. Last evaluated 2025-07-14.

Conditions:
SLC10A2-related disorder. Also called: SLC10A2-related condition.

Allele frequency attached by ClinVar (database versions not stated): TOPMed below 0.00001.
gnomAD v4.1: 2 of 1,585,102 alleles (0.00013%); highest among the groups gnomAD compares: Admixed American, 0.0033%; no homozygotes.

Submissions (2):

Labcorp Genetics (formerly Invitae), Labcorp
Classification: Uncertain significance. Last evaluated: 2025-07-14. Review status: criteria provided, single submitter. Criteria: Invitae Variant Classification Sherloc (09022015). Collection method: clinical testing. Allele origin: germline.
Comment: This sequence change falls in intron 3 of the SLC10A2 gene. It does not directly change the encoded amino acid sequence of the SLC10A2 protein. It affects a nucleotide within the consensus splice site. This variant is not present in population databases (gnomAD no frequency). This variant has not been reported in the literature in individuals affected with SLC10A2-related conditions. ClinVar contains an entry for this variant (Variation ID: 1974107). Variants that disrupt the consensus splice site are a relatively common cause of aberrant splicing (PMID: 17576681, 9536098). Algorithms developed to predict the effect of sequence changes on RNA splicing suggest that this variant may disrupt the consensus splice site. In summary, the available evidence is currently insufficient to determine the role of this variant in disease. Therefore, it has been classified as a Variant of Uncertain Significance.

PreventionGenetics, part of Exact Sciences
Classification: Uncertain significance for SLC10A2-related condition. Last evaluated: 2024-01-19. Review status: no assertion criteria provided. Collection method: clinical testing. Allele origin: germline. Not counted in ClinVar's aggregate classification.
Comment: The SLC10A2 c.585+4A>G variant is predicted to interfere with splicing. To our knowledge, this variant has not been reported in the literature or in a large population database, indicating this variant is rare. At this time, the clinical significance of this variant is uncertain due to the absence of conclusive functional and genetic evidence.

Literature cited by the submitters: PubMed 17576681 (cited by Labcorp Genetics (formerly Invitae), Labcorp); PubMed 9536098 (cited by Labcorp Genetics (formerly Invitae), Labcorp).